The following is an entry in ClinVar:

NC_000016.9:g.(?_14711427)_(14724045_?)dup

Gene: PARN (poly(A)-specific ribonuclease; minus strand). Cytogenetic location: 16p13.12.
Variant type: Duplication.
Identifiers: ClinVar variation 3243543 (VCV003243543.1).

ClinVar aggregate classification (germline): Uncertain significance (1 of 4 stars; one submission).

Conditions:
Dyskeratosis congenita, autosomal recessive 6 (DKCB6). Identifiers: MedGen C4225356, MONDO:0014600, OMIM 616353.
Pulmonary fibrosis and/or bone marrow failure, Telomere-related, 4. Also called: PULMONARY FIBROSIS AND/OR BONE MARROW FAILURE SYNDROME, TELOMERE-RELATED, 4. Identifiers: Orphanet 2032, MedGen C4225347, MONDO:0014612, OMIM 616371.

Submission:

Labcorp Genetics (formerly Invitae), Labcorp
Classification: Uncertain significance for Dyskeratosis congenita, autosomal recessive 6; Pulmonary fibrosis and/or bone marrow failure, Telomere-related, 4. Last evaluated: 2024-01-21. Review status: criteria provided, single submitter. Criteria: Invitae Variant Classification Sherloc (09022015). Collection method: clinical testing. Allele origin: unknown.
Comment: This variant results in a copy number gain of the genomic region encompassing exon(s) 1-6 of the PARN gene. This region includes the initiator codon of the gene. This copy number gain extends beyond the assayed region for this gene and therefore may encompass additional genes. As the precise location of this event is unknown, it may be in tandem or it may be located elsewhere in the genome. This variant has not been reported in the literature in individuals affected with PARN-related conditions. Experimental studies and prediction algorithms are not available or were not evaluated, and the functional significance of this variant is currently unknown. In summary, the available evidence is currently insufficient to determine the role of this variant in disease. Therefore, it has been classified as a Variant of Uncertain Significance.